The following is an entry in ClinVar:

ClinVar aggregate classification (germline): Uncertain significance. Review status: criteria provided, single submitter (1 of 4 stars). 2 submissions from 2 submitters: Uncertain significance (1). 1 of the submissions does not count toward it. Last evaluated 2022-02-17.

Conditions:
Hereditary factor VIII deficiency disease (HEMA). Also called: HEMOPHILIA, CLASSIC; Hemophilia A; Hemophilia A, congenital; HEM A; Factor 8 deficiency, congenital; AUTOSOMAL HEMOPHILIA A. Identifiers: Orphanet 98878, MedGen C0019069, MONDO:0010602, OMIM 306700.

Submissions (2):

Mayo Clinic Laboratories, Mayo Clinic
Classification: Uncertain significance. Last evaluated: 2022-02-17. Review status: criteria provided, single submitter. Criteria: ACMG Guidelines, 2015. Collection method: clinical testing. Allele origin: germline. Observed: 1 variant allele.
Comment: PP3, PM2, PS4_moderate

OMIM
Classification: Pathogenic for HEMOPHILIA A. Last evaluated: 1991-10-01. Review status: no assertion criteria provided. Collection method: literature only. Allele origin: germline. Not counted in ClinVar's aggregate classification.

Literature cited by the submitters: PubMed 1924291 (cited by OMIM).

NM_000132.4(F8):c.5600A>G (p.His1867Arg)

Gene: F8 (coagulation factor VIII; minus strand). Cytogenetic location: Xq28.
Variant type: single nucleotide variant.
Coding change: c.5600A>G on transcript NM_000132.4 (MANE Select); coding-DNA position 5600, A replaced by G.
Protein change: p.His1867Arg; replaces histidine 1867 with arginine.
Molecular consequence: missense variant.
Genome position (GRCh38, 1-based): chrX:154,904,511, T>C on the plus strand (A>G on the coding strand, the complement: F8 is on the minus strand). VCF-style: chrX-154904511-T-C. GRCh37 (hg19) VCF-style: chrX-154132786-T-C.
Other names: F8, HIS1848ARG; H1848R; c.5600A>G (NM_000132.3); short protein forms H1867R.
Identifiers: ClinVar variation 10288 (VCV000010288.2), dbSNP rs28933679, ClinGen allele CA255177.
Genomic context (GRCh38, chrX:154,904,511, plus strand): 5'-CCATGAGCAGGGTTCAGTGTGTTAGTGTGGCAGACCAGAAGGGGTCCAATCAGGCCTGAG[T>C]GCACATCTTTTTCCTAGGGAGGGAAGACATCAATCCTATGAGTATAAGCTCTCTCACCTA-3'
Protein context (NP_000123.1, residues 1857-1877): FSDVDLEKDV[His1867Arg]SGLIGPLLVC